The following is an entry in ClinVar:

ClinVar aggregate classification (germline): Pathogenic (1 of 4 stars; one submission).

Submission:

Labcorp Genetics (formerly Invitae), Labcorp
Classification: Pathogenic. Last evaluated: 2025-11-03. Review status: criteria provided, single submitter. Criteria: Invitae Variant Classification Sherloc (09022015). Collection method: clinical testing. Allele origin: germline.
Comment: This sequence change creates a premature translational stop signal (p.Tyr318*) in the MARK2 gene. It is expected to result in an absent or disrupted protein product. Loss-of-function variants in MARK2 are known to be pathogenic (PMID: 39419027). This variant is not present in population databases (gnomAD no frequency). This variant has not been reported in the literature in individuals affected with MARK2-related conditions. Algorithms developed to predict the effect of sequence changes on RNA splicing suggest that this variant may disrupt the consensus splice site. For these reasons, this variant has been classified as Pathogenic.

Literature cited by the submitters: PubMed 39419027.

NM_001039469.3(MARK2):c.1053C>G (p.Tyr351Ter)

Gene: MARK2 (microtubule affinity regulating kinase 2; plus strand). Cytogenetic location: 11q13.1.
Variant type: single nucleotide variant.
Coding change: c.1053C>G on transcript NM_001039469.3 (MANE Select); coding-DNA position 1053, C replaced by G.
Protein change: p.Tyr351Ter; replaces tyrosine 351 with a stop codon.
Molecular consequence: nonsense.
Genome position (GRCh38, 1-based): chr11:63,901,021, C>G. VCF-style: chr11-63901021-C-G. GRCh37 (hg19) VCF-style: chr11-63668493-C-G.
Other names: c.1053C>G, p.Tyr351Ter (NM_001163296.2, NM_001163297.2, NM_004954.5); c.954C>G, p.Tyr318Ter (NM_017490.4); short protein forms Y318*, Y351*.
Identifiers: ClinVar variation 4730447 (VCV004730447.1).
Genomic context (GRCh38, chr11:63,901,021, plus strand): 5'-GATGGTGTCCATGGGTTATACACGGGAAGAGATCCAGGACTCGCTGGTGGGCCAGAGATA[C>G]AACGAGGTGATGGCCACCTATCTGCTCCTGGGCTACAAGAGCTCCGAGGTGTGTGCTCCC-3'